The following is an entry in ClinVar:

NM_022095.4(ZNF335):c.2814G>A (p.Glu938=)

Gene: ZNF335 (zinc finger protein 335; minus strand). Cytogenetic location: 20q13.12.
Variant type: single nucleotide variant.
Coding change: c.2814G>A on transcript NM_022095.4 (MANE Select); coding-DNA position 2814, G replaced by A.
Protein change: p.Glu938=; no amino-acid change (glutamic acid 938 retained).
Molecular consequence: synonymous variant.
Genome position (GRCh38, 1-based): chr20:45,952,598, C>T on the plus strand (G>A on the coding strand, the complement: ZNF335 is on the minus strand). VCF-style: chr20-45952598-C-T. GRCh37 (hg19) VCF-style: chr20-44581237-C-T.
Identifiers: ClinVar variation 1307280 (VCV001307280.2), dbSNP rs2145360908, ClinGen allele CA510658313.
Genomic context (GRCh38, chr20:45,952,598, plus strand): 5'-AGCATGAGGTACTGAGAAGGGGAGGGAGGTGGGGGAGTGGTTGGCATCCCCAAGCCTCAC[C>T]TCAATGTGGTGCAACTGGGTACCATCAGTAGCCATGATGTAGTGGGTGCCAGCTTCTTTT-3'
Protein context (NP_071378.1, residues 928-948): ATDGTQLHHI[Glu938=]LTADGSISFP

ClinVar aggregate classification (germline): Uncertain significance (1 of 4 stars; one submission).

Allele frequency attached by ClinVar (database versions not stated): gnomAD exomes below 0.00001.
gnomAD v4.1: 1 of 1,613,832 alleles (0.000062%); highest among the groups gnomAD compares: Non-Finnish European, 0.000085%; no homozygotes.

Submission:

GeneDx
Classification: Uncertain significance. Last evaluated: 2020-02-14. Review status: criteria provided, single submitter. Criteria: GeneDx Variant Classification Process June 2021. Collection method: clinical testing. Allele origin: germline. Affected: yes.
Comment: Not observed in large population cohorts (Lek et al., 2016); Has not been previously published as pathogenic or benign to our knowledge; In-silico analysis, which includes splice predictors and evolutionary conservation, is inconclusive as to whether the variant alters gene splicing. In the absence of RNA/functional studies, the actual effect of this sequence change is unknown.